The following is an entry in ClinVar:

ClinVar aggregate classification (germline): Uncertain significance (1 of 4 stars; one submission).

Conditions:
Cardiovascular phenotype. Identifiers: MedGen CN230736.

Submission:

Ambry Genetics
Classification: Uncertain significance for Cardiovascular phenotype. Last evaluated: 2026-06-09. Review status: criteria provided, single submitter. Criteria: Ambry Variant Classification Scheme 2023. Collection method: clinical testing. Allele origin: germline.
Comment: The p.I2165T variant (also known as c.6494T>C), located in coding exon 26 of the APOB gene, results from a T to C substitution at nucleotide position 6494. The isoleucine at codon 2165 is replaced by threonine, an amino acid with similar properties. This amino acid position is conserved. In addition, this alteration is predicted to be tolerated by in silico analysis. Based on the available evidence, the clinical significance of this variant remains unclear.

NM_000384.3(APOB):c.6494T>C (p.Ile2165Thr)

Gene: APOB (apolipoprotein B; minus strand). Cytogenetic location: 2p24.1.
Variant type: single nucleotide variant.
Coding change: c.6494T>C on transcript NM_000384.3 (MANE Select); coding-DNA position 6494, T replaced by C.
Protein change: p.Ile2165Thr; replaces isoleucine 2165 with threonine.
Molecular consequence: missense variant.
Genome position (GRCh38, 1-based): chr2:21,010,374, A>G on the plus strand (T>C on the coding strand, the complement: APOB is on the minus strand). VCF-style: chr2-21010374-A-G. GRCh37 (hg19) VCF-style: chr2-21233246-A-G.
Other names: short protein forms I2165T.
Identifiers: ClinVar variation 4862367 (VCV004862367.1).